The following is an entry in ClinVar:

NM_130384.3(ATRIP):c.151G>T (p.Ala51Ser)

Genes: ATRIP (ATR interacting protein; plus strand), ATRIP-TREX1 (ATRIP-TREX1 readthrough; plus strand), LOC129936703 (ATAC-STARR-seq lymphoblastoid silent region 14331; plus strand). Cytogenetic location: 3p21.31.
Variant type: single nucleotide variant.
Coding change: c.151G>T on transcript NM_130384.3 (MANE Select); coding-DNA position 151, G replaced by T.
Protein change: p.Ala51Ser; replaces alanine 51 with serine.
Molecular consequence: missense variant. On other transcripts: non-coding transcript variant (1), intron variant (1).
Genome position (GRCh38, 1-based): chr3:48,446,996, G>T. VCF-style: chr3-48446996-G-T. GRCh37 (hg19) VCF-style: chr3-48488400-G-T.
Other names: c.151G>T, p.Ala51Ser (NM_032166.4); c.-218+197G>T (NM_001271022.2); short protein forms A51S.
Identifiers: ClinVar variation 4182561 (VCV004182561.1).
Genomic context (GRCh38, chr3:48,446,996, plus strand): 5'-AGCAAGCGGGCCCGGGGCTTCTCCGCAGCCGCTGCCCCGGACCCTGACGACCCGTTCGGC[G>T]CGCATGGGGACTTCACTGCCGACGACCTGGAGGAGCTTGACACCCTCGCGTCACAGGCCC-3'
Protein context (NP_569055.1, residues 41-61): AAPDPDDPFG[Ala51Ser]HGDFTADDLE

ClinVar aggregate classification (germline): Uncertain significance (1 of 4 stars; one submission).

gnomAD v4.1: 1 of 1,576,320 alleles (0.000063%); highest among the groups gnomAD compares: Non-Finnish European, 0.000086%; no homozygotes.

Submission:

Ambry Genetics
Classification: Uncertain significance. Last evaluated: 2025-08-20. Review status: criteria provided, single submitter. Criteria: Ambry Variant Classification Scheme 2023. Collection method: clinical testing. Allele origin: germline.
Comment: The p.A51S variant (also known as c.151G>T), located in coding exon 1 of the ATRIP gene, results from a G to T substitution at nucleotide position 151. The alanine at codon 51 is replaced by serine, an amino acid with similar properties. This amino acid position is conserved. In addition, this alteration is predicted to be tolerated by in silico analysis. Based on the available evidence, the clinical significance of this variant remains unclear.